The following is an entry in ClinVar:

NM_006440.5(TXNRD2):c.1514T>C (p.Val505Ala)

Gene: TXNRD2 (thioredoxin reductase 2; minus strand). Cytogenetic location: 22q11.21.
Variant type: single nucleotide variant.
Coding change: c.1514T>C on transcript NM_006440.5 (MANE Select); coding-DNA position 1514, T replaced by C.
Protein change: p.Val505Ala; replaces valine 505 with alanine.
Molecular consequence: missense variant. On other transcripts: non-coding transcript variant (1).
Genome position (GRCh38, 1-based): chr22:19,877,166, A>G on the plus strand (T>C on the coding strand, the complement: TXNRD2 is on the minus strand). VCF-style: chr22-19877166-A-G. GRCh37 (hg19) VCF-style: chr22-19864689-A-G.
Other names: c.1511T>C, p.Val504Ala (NM_001352300.2); c.1424T>C, p.Val475Ala (NM_001352301.2); c.1226T>C, p.Val409Ala (NM_001352302.2); c.1514T>C (NM_006440.3); short protein forms V504A, V409A, V475A, V505A.
Identifiers: ClinVar variation 1488561 (VCV001488561.7), dbSNP rs759613137, ClinGen allele CA410691536.
Genomic context (GRCh38, chr22:19,877,166, plus strand): 5'-TACCCTCAGCAGCCTGTCACCGTGGGGTCCAGGCCTGAGCGCTTGGAGATGCGCAGCTTG[A>G]CTACCTCCTCAGAGCATGTGGGATGGATACCCACGGTCCGCATCACCTGCGCATAGGAAG-3'
Protein context (NP_006431.2, residues 495-515): GIHPTCSEEV[Val505Ala]KLRISKRSGL

ClinVar aggregate classification (germline): Conflicting classifications of pathogenicity. Review status: criteria provided, conflicting classifications (1 of 4 stars). 2 submissions from 2 submitters: Uncertain significance (1); Likely benign (1). Last evaluated 2024-11-17.

Conditions:
Cardiovascular phenotype. Identifiers: MedGen CN230736.
Primary dilated cardiomyopathy (DCM). Also called: Dilated Cardiomyopathy. Identifiers: Orphanet 217604, MedGen C0007193, MeSH D002311, MONDO:0005021, HP:0001644. Inheritance: Various modes of inheritance.

Submissions (2):

Ambry Genetics
Classification: Likely benign for Cardiovascular phenotype. Last evaluated: 2024-11-17. Review status: criteria provided, single submitter. Criteria: Ambry Variant Classification Scheme 2023. Collection method: clinical testing. Allele origin: germline.

Labcorp Genetics (formerly Invitae), Labcorp
Classification: Uncertain significance for Primary dilated cardiomyopathy. Last evaluated: 2020-11-27. Review status: criteria provided, single submitter. Criteria: Invitae Variant Classification Sherloc (09022015). Collection method: clinical testing. Allele origin: germline.
Comment: This sequence change replaces valine with alanine at codon 505 of the TXNRD2 protein (p.Val505Ala). The valine residue is weakly conserved and there is a small physicochemical difference between valine and alanine. This variant is not present in population databases (ExAC no frequency). This variant has not been reported in the literature in individuals with TXNRD2-related conditions. Algorithms developed to predict the effect of missense changes on protein structure and function (SIFT, PolyPhen-2, Align-GVGD) all suggest that this variant is likely to be tolerated, but these predictions have not been confirmed by published functional studies and their clinical significance is uncertain. In summary, the available evidence is currently insufficient to determine the role of this variant in disease. Therefore, it has been classified as a Variant of Uncertain Significance.